The following is an entry in ClinVar:

ClinVar aggregate classification (germline): Uncertain significance (1 of 4 stars; one submission).

Conditions:
Inclusion body myopathy with early-onset Paget disease with or without frontotemporal dementia 2 (IBMPFD2). Also called: MULTISYSTEM PROTEINOPATHY 2. Identifiers: MedGen C3809468, MONDO:0014178, OMIM 615422.

Allele frequency attached by ClinVar (database versions not stated): gnomAD exomes below 0.00001.

Submission:

Labcorp Genetics (formerly Invitae), Labcorp
Classification: Uncertain significance for Inclusion body myopathy with early-onset Paget disease with or without frontotemporal dementia 2. Last evaluated: 2022-07-06. Review status: criteria provided, single submitter. Criteria: Invitae Variant Classification Sherloc (09022015). Collection method: clinical testing. Allele origin: germline.
Comment: In summary, the available evidence is currently insufficient to determine the role of this variant in disease. Therefore, it has been classified as a Variant of Uncertain Significance. Algorithms developed to predict the effect of missense changes on protein structure and function are either unavailable or do not agree on the potential impact of this missense change (SIFT: "Deleterious"; PolyPhen-2: "Benign"; Align-GVGD: "Class C65"). This variant has not been reported in the literature in individuals affected with HNRNPA2B1-related conditions. This variant is present in population databases (no rsID available, gnomAD 0.004%). This sequence change replaces tyrosine, which is neutral and polar, with cysteine, which is neutral and slightly polar, at codon 290 of the HNRNPA2B1 protein (p.Tyr290Cys).

NM_002137.4(HNRNPA2B1):c.833A>G (p.Tyr278Cys)

Gene: HNRNPA2B1 (heterogeneous nuclear ribonucleoprotein A2/B1; minus strand). Cytogenetic location: 7p15.2.
Variant type: single nucleotide variant.
Coding change: c.833A>G on transcript NM_002137.4 (MANE Select); coding-DNA position 833, A replaced by G.
Protein change: p.Tyr278Cys; replaces tyrosine 278 with cysteine.
Molecular consequence: missense variant.
Genome position (GRCh38, 1-based): chr7:26,193,583, T>C on the plus strand (A>G on the coding strand, the complement: HNRNPA2B1 is on the minus strand). VCF-style: chr7-26193583-T-C. GRCh37 (hg19) VCF-style: chr7-26233203-T-C.
Other names: c.869A>G, p.Tyr290Cys (NM_031243.4); short protein forms Y278C, Y290C.
Identifiers: ClinVar variation 2157366 (VCV002157366.4), dbSNP rs1181544777, ClinGen allele CA367073098.
Genomic context (GRCh38, chr7:26,193,583, plus strand): 5'-CAAAGACATTAATTCCAAATTCCCACATAAAGGTTGCAGGTGAATTTATTACCTCCTCCA[T>C]AGTTGTCATAACCACCTCCGTAGCCCCCACCCTGGTTGCCATATCCAGGTCCTCCACCAC-3'
Protein context (NP_002128.1, residues 268-288): GGGYGGGYDN[Tyr278Cys]GGGNYGSGNY